The following is an entry in ClinVar:

ClinVar aggregate classification (germline): Pathogenic (1 of 4 stars; one submission).

Submission:

Labcorp Genetics (formerly Invitae), Labcorp
Classification: Pathogenic. Last evaluated: 2025-05-25. Review status: criteria provided, single submitter. Criteria: Invitae Variant Classification Sherloc (09022015). Collection method: clinical testing. Allele origin: germline.
Comment: This sequence change creates a premature translational stop signal (p.Gly214Valfs*4) in the GSR gene. It is expected to result in an absent or disrupted protein product. Loss-of-function variants in GSR are known to be pathogenic (PMID: 17185460). This variant is present in population databases (rs771002983, gnomAD 0.002%). This variant has not been reported in the literature in individuals affected with GSR-related conditions. This variant is also known as c.640+1del. Algorithms developed to predict the effect of sequence changes on RNA splicing suggest that this variant may disrupt the consensus splice site. For these reasons, this variant has been classified as Pathogenic.

Literature cited by the submitters: PubMed 17185460.

NM_000637.5(GSR):c.640+1del

Gene: GSR (glutathione-disulfide reductase; minus strand). Cytogenetic location: 8p12.
Variant type: Deletion.
Coding change: c.640+1del on transcript NM_000637.5 (MANE Select); the canonical splice donor site of the intron after coding-DNA position 640, one base deleted (G; older notation c.640+1delG).
Molecular consequence: splice donor variant.
Genome position (GRCh38, 1-based): chr8:30,703,092, C deleted on the plus strand (G on the coding strand, the reverse complement: GSR is on the minus strand); the first of 2 consecutive C bases (chr8:30,703,092-30,703,093); deleting either gives the same sequence. VCF-style (leftmost placement, unchanged base first): chr8-30703091-AC-A. GRCh37 (hg19) VCF-style: chr8-30560608-AC-A.
Other names: c.640+1del (NM_001195104.3, NM_001195102.3, NM_001195103.3).
Identifiers: ClinVar variation 4770668 (VCV004770668.1).